The following is an entry in ClinVar:

NM_001367624.2(ZNF469):c.9950C>A (p.Ala3317Asp)

Gene: ZNF469 (zinc finger protein 469; plus strand). Cytogenetic location: 16q24.2.
Variant type: single nucleotide variant.
Coding change: c.9950C>A on transcript NM_001367624.2 (MANE Select); coding-DNA position 9950, C replaced by A.
Protein change: p.Ala3317Asp; replaces alanine 3317 with aspartic acid.
Molecular consequence: missense variant.
Genome position (GRCh38, 1-based): chr16:88,437,420, C>A. VCF-style: chr16-88437420-C-A. GRCh37 (hg19) VCF-style: chr16-88503828-C-A.
Other names: short protein forms A3317D.
Identifiers: ClinVar variation 3896041 (VCV003896041.1).

ClinVar aggregate classification (germline): Uncertain significance (1 of 4 stars; one submission).

gnomAD v4.1: 16 of 1,522,214 alleles (0.0011%); highest among the groups gnomAD compares: Non-Finnish European, 0.0013%; no homozygotes.

Submission:

Women's Health and Genetics/Laboratory Corporation of America, LabCorp
Classification: Uncertain significance. Last evaluated: 2025-03-21. Review status: criteria provided, single submitter. Criteria: LabCorp Variant Classification Summary - May 2015. Collection method: clinical testing. Allele origin: germline.
Comment: Variant summary: ZNF469 c.9950C>A (p.Ala3317Asp) results in a non-conservative amino acid change in the encoded protein sequence. Three of five in-silico tools predict a damaging effect of the variant on protein function. The variant was absent in 121052 control chromosomes. The available data on variant occurrences in the general population are insufficient to allow any conclusion about variant significance. To our knowledge, no occurrence of c.9950C>A in individuals affected with Brittle cornea syndrome 1 and no experimental evidence demonstrating its impact on protein function have been reported. No submitters have cited clinical-significance assessments for this variant to ClinVar. Based on the evidence outlined above, the variant was classified as uncertain significance.